The following is an entry in ClinVar:

NM_003280.3(TNNC1):c.247C>G (p.Arg83Gly)

Gene: TNNC1 (troponin C1, slow skeletal and cardiac type; minus strand). Cytogenetic location: 3p21.1.
Variant type: single nucleotide variant.
Coding change: c.247C>G on transcript NM_003280.3 (MANE Select); coding-DNA position 247, C replaced by G.
Protein change: p.Arg83Gly; replaces arginine 83 with glycine.
Molecular consequence: missense variant.
Genome position (GRCh38, 1-based): chr3:52,451,814, G>C on the plus strand (C>G on the coding strand, the complement: TNNC1 is on the minus strand). VCF-style: chr3-52451814-G-C. GRCh37 (hg19) VCF-style: chr3-52485830-G-C.
Other names: short protein forms R83G.
Identifiers: ClinVar variation 2938397 (VCV002938397.3), dbSNP rs2153229934, ClinGen allele CA353167382.
Genomic context (GRCh38, chr3:52,451,814, plus strand): 5'-TGCGGAAGAGGTCAGACAGCTCCTCCTCAGATTTCCCTTTGCTGTCGTCCTTCATGCACC[G>C]AACCATCATGACCAGGAACTCATCAAAGTCCACCGTGCCGCTGCCTGGGGGTGGGCAGCA-3'
Protein context (NP_003271.1, residues 73-93): DFDEFLVMMV[Arg83Gly]CMKDDSKGKS

ClinVar aggregate classification (germline): Uncertain significance (1 of 4 stars; one submission).

Conditions:
Dilated cardiomyopathy 1Z (CMD1Z). Identifiers: Orphanet 154, MedGen C2678475, MONDO:0012745, OMIM 611879.
Hypertrophic cardiomyopathy 13. Also called: TNNC1-Related Familial Hypertrophic Cardiomyopathy. Identifiers: MedGen C2750472, MONDO:0013195, OMIM 613243.

Submission:

Labcorp Genetics (formerly Invitae), Labcorp
Classification: Uncertain significance for Hypertrophic cardiomyopathy 13; Dilated cardiomyopathy 1Z. Last evaluated: 2022-11-23. Review status: criteria provided, single submitter. Criteria: Invitae Variant Classification Sherloc (09022015). Collection method: clinical testing. Allele origin: germline.
Comment: This sequence change replaces arginine, which is basic and polar, with glycine, which is neutral and non-polar, at codon 83 of the TNNC1 protein (p.Arg83Gly). This variant is not present in population databases (gnomAD no frequency). This variant has not been reported in the literature in individuals affected with TNNC1-related conditions. Algorithms developed to predict the effect of missense changes on protein structure and function are either unavailable or do not agree on the potential impact of this missense change (SIFT: "Tolerated"; PolyPhen-2: "Probably Damaging"; Align-GVGD: "Class C0"). In summary, the available evidence is currently insufficient to determine the role of this variant in disease. Therefore, it has been classified as a Variant of Uncertain Significance.